The following is an entry in ClinVar:

ClinVar aggregate classification (germline): Likely benign (1 of 4 stars; one submission).

Conditions:
MAN2B2-related disorder. Also called: MAN2B2-Related Disorders; MAN2B2-related condition.

gnomAD v4.1: 139 of 1,614,198 alleles (0.0086%); highest among the groups gnomAD compares: East Asian, 0.25%; no homozygotes.

Submission:

PreventionGenetics, part of Exact Sciences
Classification: Likely benign for MAN2B2-related condition. Last evaluated: 2025-10-14. Review status: criteria provided, single submitter. Criteria: ACMG Guidelines, 2015. Collection method: clinical testing. Allele origin: germline.
Comment: This variant is classified as likely benign based on ACMG/AMP sequence variant interpretation guidelines (Richards et al. 2015 PMID: 25741868, with internal and published modifications).

NM_015274.3(MAN2B2):c.1916C>T (p.Pro639Leu)

Gene: MAN2B2 (mannosidase alpha class 2B member 2; plus strand). Cytogenetic location: 4p16.1.
Variant type: single nucleotide variant.
Coding change: c.1916C>T on transcript NM_015274.3 (MANE Select); coding-DNA position 1916, C replaced by T.
Protein change: p.Pro639Leu; replaces proline 639 with leucine.
Molecular consequence: missense variant.
Genome position (GRCh38, 1-based): chr4:6,609,208, C>T. VCF-style: chr4-6609208-C-T. GRCh37 (hg19) VCF-style: chr4-6610935-C-T.
Other names: c.1763C>T, p.Pro588Leu (NM_001292038.2); short protein forms P588L, P639L.
Identifiers: ClinVar variation 4990776 (VCV004990776.1).